The following is an entry in ClinVar:

ClinVar aggregate classification (germline): Uncertain significance. Review status: criteria provided, multiple submitters, no conflicts (2 of 4 stars). 3 submissions from 3 submitters: Uncertain significance (3). Last evaluated 2024-12-03.

Conditions:
Charcot-Marie-Tooth disease type 4. Also called: Charcot-Marie-Tooth disease, type IV; Charcot-Marie-Tooth, Type 4. Identifiers: Orphanet 64749, MedGen C4082197, MONDO:0018995.
Charcot-Marie-Tooth disease type 4H (CMT4H). Also called: CHARCOT-MARIE-TOOTH DISEASE, DEMYELINATING, TYPE 4H; CHARCOT-MARIE-TOOTH DISEASE, AUTOSOMAL RECESSIVE, TYPE 4H; CHARCOT-MARIE-TOOTH DISEASE, DEMYELINATING, AUTOSOMAL RECESSIVE, TYPE 4H; CHARCOT-MARIE-TOOTH NEUROPATHY, TYPE 4H. Identifiers: Orphanet 99954, MedGen C1836336, MONDO:0012250, OMIM 609311.

Allele frequency attached by ClinVar (database versions not stated): gnomAD exomes 0.00006 and 0.00018; TOPMed 0.00007; gnomAD 0.00011 and 0.00018; ExAC 0.00017; 1000 Genomes Project 30x 0.00078; 1000 Genomes Project 0.00100.
gnomAD v4.1: 132 of 1,614,120 alleles (0.0082%); highest among the groups gnomAD compares: East Asian, 0.067%; no homozygotes.

Submissions (3):

Labcorp Genetics (formerly Invitae), Labcorp
Classification: Uncertain significance for Charcot-Marie-Tooth disease type 4. Last evaluated: 2024-12-03. Review status: criteria provided, single submitter. Criteria: Invitae Variant Classification Sherloc (09022015). Collection method: clinical testing. Allele origin: germline.
Comment: This sequence change replaces serine, which is neutral and polar, with leucine, which is neutral and non-polar, at codon 244 of the FGD4 protein (p.Ser244Leu). This variant is present in population databases (rs201915829, gnomAD 0.1%). This missense change has been observed in individual(s) with clinical features of Charcot-Marie-Tooth disease (PMID: 32376792). ClinVar contains an entry for this variant (Variation ID: 849450). Invitae Evidence Modeling of protein sequence and biophysical properties (such as structural, functional, and spatial information, amino acid conservation, physicochemical variation, residue mobility, and thermodynamic stability) indicates that this missense variant is not expected to disrupt FGD4 protein function with a negative predictive value of 80%. In summary, the available evidence is currently insufficient to determine the role of this variant in disease. Therefore, it has been classified as a Variant of Uncertain Significance.

GeneDx
Classification: Uncertain significance. Last evaluated: 2019-12-27. Review status: criteria provided, single submitter. Criteria: GeneDx Variant Classification Process June 2021. Collection method: clinical testing. Allele origin: germline. Affected: yes.
Comment: In silico analysis, which includes protein predictors and evolutionary conservation, supports a deleterious effect; Has not been previously published as pathogenic or benign to our knowledge; This variant is associated with the following publications: (PMID: 32376792)

Illumina Laboratory Services, Illumina
Classification: Uncertain significance for Charcot-Marie-Tooth disease type 4H. Last evaluated: 2018-01-13. Review status: criteria provided, single submitter. Criteria: ICSL Variant Classification Criteria 13 December 2019. Collection method: clinical testing. Allele origin: germline.

Literature cited by the submitters: PubMed 32376792 (cited by Labcorp Genetics (formerly Invitae), Labcorp).

NM_001370298.3(FGD4):c.1142C>T (p.Ser381Leu)

Gene: FGD4 (FYVE, RhoGEF and PH domain containing 4; plus strand). Cytogenetic location: 12p11.21.
Variant type: single nucleotide variant.
Coding change: c.1142C>T on transcript NM_001370298.3 (MANE Select); coding-DNA position 1142, C replaced by T.
Protein change: p.Ser381Leu; replaces serine 381 with leucine.
Molecular consequence: missense variant. On other transcripts: 5 prime UTR variant (2).
Genome position (GRCh38, 1-based): chr12:32,601,318, C>T. VCF-style: chr12-32601318-C-T. GRCh37 (hg19) VCF-style: chr12-32754252-C-T.
Other names: c.986C>T, p.Ser329Leu (NM_001304481.2); c.-14C>T (NM_001304483.2); c.-321C>T (NM_001304484.2); c.452C>T, p.Ser151Leu (NM_001330373.2, NM_001330374.2, NM_001384130.1); c.179C>T, p.Ser60Leu (NM_001370297.1); c.1142C>T, p.Ser381Leu (NM_001384126.1); c.731C>T, p.Ser244Leu (NM_001384127.1, NM_001384128.1, NM_001385118.1 and 1 more transcripts); short protein forms S329L, S151L, S60L, S244L, S381L.
Identifiers: ClinVar variation 849450 (VCV000849450.9), dbSNP rs201915829, ClinGen allele CA6506711.